The following is an entry in ClinVar:

ClinVar aggregate classification (germline): Likely benign. Review status: criteria provided, multiple submitters, no conflicts (2 of 4 stars). 2 submissions from 2 submitters: Likely benign (2). Last evaluated 2024-08-28.

Allele frequency attached by ClinVar (database versions not stated): 1000 Genomes Project 30x 0.00375; 1000 Genomes Project 0.00439; ESP Exome Variant Server 0.00608; gnomAD 0.00654; ExAC 0.00689.
gnomAD v4.1: 11,656 of 1,611,718 alleles (0.72%); highest among the groups gnomAD compares: Non-Finnish European, 0.78%; 55 homozygotes.

Submissions (2):

Ambry Genetics
Classification: Likely benign. Last evaluated: 2024-08-28. Review status: criteria provided, single submitter. Criteria: Ambry Variant Classification Scheme 2023. Collection method: clinical testing. Allele origin: germline.

CeGaT Center for Human Genetics Tuebingen
Classification: Likely benign. Last evaluated: 2022-12-01. Review status: criteria provided, single submitter. Criteria: CeGaT Center For Human Genetics Tuebingen Variant Classification Criteria Version 2. Collection method: clinical testing. Allele origin: germline. Affected: yes. Observed: 1 variant allele.
Comment: ABCA9: BP4, BP7, BS2

NM_080283.4(ABCA9):c.3369T>C (p.Tyr1123=)

Genes: ABCA9 (ATP binding cassette subfamily A member 9; minus strand), ABCA9-AS1 (ABCA9 antisense RNA 1; plus strand). Cytogenetic location: 17q24.2.
Variant type: single nucleotide variant.
Coding change: c.3369T>C on transcript NM_080283.4 (MANE Select); coding-DNA position 3369, T replaced by C.
Protein change: p.Tyr1123=; no amino-acid change (tyrosine 1123 retained).
Molecular consequence: synonymous variant.
Genome position (GRCh38, 1-based): chr17:69,007,825, A>G on the plus strand (T>C on the coding strand, the complement: ABCA9 is on the minus strand). VCF-style: chr17-69007825-A-G. GRCh37 (hg19) VCF-style: chr17-67003966-A-G.
Other names: c.3369T>C (NM_080283.3).
Identifiers: ClinVar variation 2648158 (VCV002648158.25), dbSNP rs112499807, ClinGen allele CA8732393.